The following is an entry in ClinVar:

NM_000059.4(BRCA2):c.10202C>T (p.Thr3401Met)

Gene: BRCA2 (BRCA2 DNA repair associated; plus strand). Cytogenetic location: 13q13.1.
Variant type: single nucleotide variant.
Coding change: c.10202C>T on transcript NM_000059.4 (MANE Select); coding-DNA position 10202, C replaced by T.
Protein change: p.Thr3401Met; replaces threonine 3401 with methionine.
Molecular consequence: missense variant.
Genome position (GRCh38, 1-based): chr13:32,398,715, C>T. VCF-style: chr13-32398715-C-T. GRCh37 (hg19) VCF-style: chr13-32972852-C-T.
Other names: 10430C>T; short protein forms T3401M.
Identifiers: ClinVar variation 51053 (VCV000051053.113), dbSNP rs55853199, ClinGen allele CA010443.

ClinVar aggregate classification (germline): Conflicting classifications of pathogenicity. Review status: criteria provided, conflicting classifications (1 of 4 stars). 20 submissions from 20 submitters: Uncertain significance (9); Benign (1); Likely benign (6). 4 of the submissions do not count toward it. Last evaluated 2026-01-05.

Conditions:
BRCA2-related disorder. Also called: BRCA2-related condition; BRCA2-related disorders. Identifiers: MedGen CN239275.
Hereditary cancer-predisposing syndrome. Also called: Hereditary Cancer Syndrome; Tumor predisposition; Neoplastic Syndromes, Hereditary; Hereditary neoplastic syndrome. Identifiers: Orphanet 140162, MedGen C0027672, MeSH D009386, MONDO:0015356.
Hereditary breast ovarian cancer syndrome. Also called: Breast and ovarian cancer; BRCA1- and BRCA2-Associated Hereditary Breast and Ovarian Cancer; Hereditary breast and ovarian cancer; Hereditary breast and ovarian cancer syndrome (HBOC); Hereditary breast and ovarian cancer syndrome; Hereditary breast and/or ovarian cancer syndrome. Identifiers: Orphanet 145, MedGen C0677776, MeSH D061325, MONDO:0003582. Disease mechanism: loss of function.
Breast-ovarian cancer, familial, susceptibility to, 2 (BROVCA2). Also called: BRCA2 Hereditary Breast and Ovarian Cancer. Identifiers: Orphanet 145, MedGen C2675520, MONDO:0012933, OMIM 612555. Disease mechanism: loss of function.

Allele frequency attached by ClinVar (database versions not stated): gnomAD 0.00002 and 0.00003; gnomAD exomes 0.00002; ExAC 0.00003; TOPMed 0.00005; 1000 Genomes Project 30x 0.00016; 1000 Genomes Project 0.00020.
gnomAD v4.1: 31 of 1,613,800 alleles (0.0019%); highest among the groups gnomAD compares: African/African-American, 0.004%; no homozygotes.

Submissions 1 to 10 of 20:

Labcorp Genetics (formerly Invitae), Labcorp
Classification: Likely benign for Hereditary breast ovarian cancer syndrome. Last evaluated: 2026-01-05. Review status: criteria provided, single submitter. Criteria: Invitae Variant Classification Sherloc (09022015). Collection method: clinical testing. Allele origin: germline.

Quest Diagnostics Nichols Institute San Juan Capistrano
Classification: Uncertain significance. Last evaluated: 2025-09-04. Review status: criteria provided, single submitter. Criteria: Quest Diagnostics criteria. Collection method: clinical testing. Allele origin: unknown.
Comment: The BRCA2 c.10202C>T (p.Thr3401Met) variant has been reported in the published literature in individuals affected with breast cancer (PMID: 35402282 (2022), 34290354 (2021), 33471991 (2021), see also LOVD, 25682074 (2015), 28569218 (2017), 20223018 (2006)), ovarian cancer (PMID: 24504028 (2014), 26843898 (2016)), colon cancer (PMID: 10788334 (2000)), and bile duct cancer (PMID: 32885271 (2021)). This variant has also been identified in reportedly unaffected individuals (PMID: 33471991 (2021), see also LOVD). The frequency of this variant in the general population (Genome Aggregation Database) is uninformative in the assessment of its pathogenicity. Analysis of this variant using bioinformatics tools for the prediction of the effect of amino acid changes on protein structure and function yielded conflicting predictions that this variant is deleterious or benign. Based on the available information, we are unable to determine the clinical significance of this variant.

German Consortium for Hereditary Breast and Ovarian Cancer, University Hospital Cologne
Classification: Likely benign for Hereditary breast ovarian cancer syndrome. Last evaluated: 2025-07-09. Review status: criteria provided, single submitter. Criteria: ClinGen BRCA2 V1.1.0. Collection method: curation. Allele origin: germline.
Comment: 2x FLOSSIES; Dorling et al: 6/53261 controls vs 7/60466 cases; This classification follows the ClinGen ENIGMA BRCA2 v1.1.0 classification scheme; We chose these criteria: PP4 (supporting pathogenic): Combined LR Score = 3.41863 (as per ENIGMA BRCA1/BRCA2 specs 1.1.0 Track Hub), BP1 (strong benign): missense variant outside linically important functional domain (BayesDEL: -0.332646, SpliceAI 0) , BS1 (supporting benign): FAF in gAD v3 non-cancer = 0.00002 / in gAD v2 non-cancer = 0.00001494

Center for Genomic Medicine, Rigshospitalet, Copenhagen University Hospital
Classification: Likely benign. Last evaluated: 2025-03-04. Review status: criteria provided, single submitter. Criteria: ACMG Guidelines, 2015. Collection method: clinical testing. Allele origin: germline.

PreventionGenetics, part of Exact Sciences
Classification: Uncertain significance for BRCA2-related condition. Last evaluated: 2024-11-20. Review status: criteria provided, single submitter. Criteria: ACMG Guidelines, 2015. Collection method: clinical testing. Allele origin: germline.
Comment: The BRCA2 c.10202C>T variant is predicted to result in the amino acid substitution p.Thr3401Met. This variant has been reported in individuals with breast and ovarian cancer, although conclusive evidence of pathogenicity was not provided (Górski et al. 2000. PubMed ID: 10788334, Lerner-Ellis et al. 2020. PubMed ID: 32885271; Abdel-Razeq et al. 2022. PubMed ID: 35402282; Cunningham et al. 2014. PubMed ID: 24504028). This variant is reported in 0.0040% of alleles in individuals of African descent in gnomAD and has conflicting interpretations regarding its pathogenicity in ClinVar, ranging from benign to uncertain significance. Although we suspect this variant may be benign, at this time, the clinical significance of this variant is uncertain due to the absence of conclusive functional and genetic evidence.

Ambry Genetics
Classification: Uncertain significance for Hereditary cancer-predisposing syndrome. Last evaluated: 2024-11-19. Review status: criteria provided, single submitter. Criteria: Ambry Variant Classification Scheme 2023. Collection method: clinical testing. Allele origin: germline.
Comment: The p.T3401M variant (also known as c.10202C>T), located in coding exon 26 of the BRCA2 gene, results from a C to T substitution at nucleotide position 10202. The threonine at codon 3401 is replaced by methionine, an amino acid with similar properties. This alteration has been identified in multiple individuals diagnosed with breast and/or ovarian cancer (G&oacute;rski B et al. Am. J. Hum. Genet. 2000 Jun;66:1963-8; Abdel-Razeq H et al. Front Oncol, 2022 Mar;12:673094). In a study of 2984 breast cancer cases, 4376 prostate cancer cases, and 7545 controls this alteration was observed with an allele frequency of 0.000384 in Latinos (Haiman CA et al. PLoS Genet., 2013 Mar;9:e1003419). This variant was also observed in 1/3251 individuals who met eligibility criteria for hereditary breast and ovarian cancer syndrome (Lerner-Ellis J et al. J Cancer Res Clin Oncol, 2021 Mar;147:871-879). This amino acid position is not well conserved in available vertebrate species. In addition, this alteration is predicted to be tolerated by in silico analysis. Based on the available evidence, the clinical significance of this variant remains unclear.

Blueprint Genetics
Classification: Likely benign. Last evaluated: 2024-11-06. Review status: criteria provided, single submitter. Criteria: ACMG Guidelines, 2015. Collection method: clinical testing. Allele origin: germline.

Women's Health and Genetics/Laboratory Corporation of America, LabCorp
Classification: Uncertain significance. Last evaluated: 2023-06-29. Review status: criteria provided, single submitter. Criteria: LabCorp Variant Classification Summary - May 2015. Collection method: clinical testing. Allele origin: germline.
Comment: Variant summary: BRCA2 c.10202C>T (p.Thr3401Met) results in a non-conservative amino acid change in the encoded protein sequence. Three of five in-silico tools predict a benign effect of the variant on protein function. The variant allele was found at a frequency of 2e-05 in 305166 control chromosomes. The available data on variant occurrences in the general population are insufficient to allow any conclusion about variant significance. c.10202C>T has been reported in the literature in individuals affected with breast and ovarian cancers (e.g. (Gorski_2000, Gorski_2006, Cunningham_2014, Haiman_2013, Wong-Brown_2015, Melloni_2017 Abdel-Razeq_2021, Guo_2020) as well as prostate cancer(Fei_2021) and colorectal cancer (Deihimi_2017), without strong evidence for causality. These reports do not provide unequivocal conclusions about association of the variant with Hereditary Breast And Ovarian Cancer Syndrome. To our knowledge, no experimental evidence demonstrating an impact on protein function has been reported. The following publications have been ascertained in the context of this evaluation (PMID: 34290354, 24504028, 28591715, 34709755, 20223018, 10788334, 31837001, 23555315, 28569218, 25682074). Eleven submitters have cited clinical-significance assessments for this variant to ClinVar after 2014 and classified the variant as either VUS (n=7) or benign (n=1)/likely benign (n=3). Based on the evidence outlined above, the variant was classified as uncertain significance.

Sema4
Classification: Uncertain significance for Hereditary cancer-predisposing syndrome. Last evaluated: 2021-09-15. Review status: criteria provided, single submitter. Criteria: Sema4 Curation Guidelines. Collection method: curation. Allele origin: germline.
Comment: The BRCA2 c.10202C>T (p.T3401M) variant has been reported in at least 5 individuals with breast cancer and ovarian cancer (PMIDs 10788334, 29684080, 25682074) and in 2 unrelated individuals of Asian ancestry in the 1000 Genomes dataset (PMID 26332594). This variant was observed in 1/24950 chromosomes in the African/African American population according to the Genome Aggregation Database (PMID: 32461654). This variant has been reported in ClinVar (Variation ID 51053). Functional studies have not been performed, and in silico predictions of the variant's effect on protein function are inconclusive. The overall evidence is insufficient to meet ACMG/AMP criteria for classifying it as benign or pathogenic. In summary, the clinical significance of this variant is currently uncertain.

GeneDx
Classification: Likely benign. Last evaluated: 2021-04-20. Review status: criteria provided, single submitter. Criteria: GeneDx Variant Classification Process June 2021. Collection method: clinical testing. Allele origin: germline. Affected: yes.
Comment: This variant is associated with the following publications: (PMID: 26332594, 26843898, 10788334, 31131967)